The following is an entry in ClinVar:

ClinVar aggregate classification (germline): Likely benign. Review status: criteria provided, multiple submitters, no conflicts (2 of 4 stars). 3 submissions from 3 submitters: Likely benign (2). 1 of the submissions does not count toward it. Last evaluated 2025-09-08.

Conditions:
TNXB-related disorder. Also called: TNXB-related condition.
Cardiovascular phenotype. Identifiers: MedGen CN230736.

Submissions (3):

Women's Health and Genetics/Laboratory Corporation of America, LabCorp
Classification: Likely benign. Last evaluated: 2025-09-08. Review status: criteria provided, single submitter. Criteria: LabCorp Variant Classification Summary - May 2015. Collection method: clinical testing. Allele origin: germline.

Ambry Genetics
Classification: Likely benign for Cardiovascular phenotype. Last evaluated: 2023-11-21. Review status: criteria provided, single submitter. Criteria: Ambry Variant Classification Scheme 2023. Collection method: clinical testing. Allele origin: germline.

PreventionGenetics, part of Exact Sciences
Classification: Likely benign for TNXB-related condition. Last evaluated: 2019-07-10. Review status: no assertion criteria provided. Collection method: clinical testing. Allele origin: germline. Not counted in ClinVar's aggregate classification.
Comment: This variant is classified as likely benign based on ACMG/AMP sequence variant interpretation guidelines (Richards et al. 2015 PMID: 25741868, with internal and published modifications).

NM_001365276.2(TNXB):c.5571G>A (p.Ser1857=)

Gene: TNXB (tenascin XB; minus strand). Cytogenetic location: 6p21.33.
Variant type: single nucleotide variant.
Coding change: c.5571G>A on transcript NM_001365276.2 (MANE Select); coding-DNA position 5571, G replaced by A.
Protein change: p.Ser1857=; no amino-acid change (serine 1857 retained).
Molecular consequence: synonymous variant.
Genome position (GRCh38, 1-based): chr6:32,069,569, C>T on the plus strand (G>A on the coding strand, the complement: TNXB is on the minus strand). VCF-style: chr6-32069569-C-T. GRCh37 (hg19) VCF-style: chr6-32037346-C-T.
Other names: c.5571G>A, p.Ser1857= (NM_019105.8).
Identifiers: ClinVar variation 3049561 (VCV003049561.4), dbSNP rs946946493, ClinGen allele CA136887743.